The following is an entry in ClinVar:

NM_053025.4(MYLK):c.2860C>T (p.Arg954Cys)

Gene: MYLK (myosin light chain kinase; minus strand). Cytogenetic location: 3q21.1.
Variant type: single nucleotide variant.
Coding change: c.2860C>T on transcript NM_053025.4 (MANE Select); coding-DNA position 2860, C replaced by T.
Protein change: p.Arg954Cys; replaces arginine 954 with cysteine.
Molecular consequence: missense variant.
Genome position (GRCh38, 1-based): chr3:123,700,608, G>A on the plus strand (C>T on the coding strand, the complement: MYLK is on the minus strand). VCF-style: chr3-123700608-G-A. GRCh37 (hg19) VCF-style: chr3-123419455-G-A.
Other names: c.2332C>T, p.Arg778Cys (NM_001321309.2); c.2653C>T, p.Arg885Cys (NM_053026.4, NM_053028.4); c.2860C>T, p.Arg954Cys (NM_053027.4); short protein forms R954C, R778C, R885C.
Identifiers: ClinVar variation 519968 (VCV000519968.51), dbSNP rs749847711, ClinGen allele CA069092.
Genomic context (GRCh38, chr3:123,700,608, plus strand): 5'-GCGGTGGCACCTTCTCAGGCACGGGGGTCTTGGAAGTCCCCTTCTTGGCCAGGACAGAGC[G>A]AAAATCGACCTGCTGGGGGCTGTGCACCTTCCTCTCTTCCTCAGACACAGTCTTTGGCTT-3'
Protein context (NP_444253.3, residues 944-964): KVHSPQQVDF[Arg954Cys]SVLAKKGTSK

ClinVar aggregate classification (germline): Uncertain significance. Review status: criteria provided, multiple submitters, no conflicts (2 of 4 stars). 4 submissions from 4 submitters: Uncertain significance (4). Last evaluated 2025-06-11.

Conditions:
Aortic aneurysm, familial thoracic 7 (AAT7). Also called: AORTIC DISSECTION, FAMILIAL, WITH OR WITHOUT AORTIC ANEURYSM. Identifiers: MedGen C3151077, MONDO:0013418, OMIM 613780.
Megacystis-microcolon-intestinal hypoperistalsis syndrome 1. Identifiers: MedGen C5542316, MONDO:0100354, OMIM 249210.
Familial thoracic aortic aneurysm and aortic dissection (TAAD). Also called: Thoracic aortic aneurysms and dissections. Identifiers: Orphanet 91387, MedGen C4707243, MONDO:0019625.

Allele frequency attached by ClinVar (database versions not stated): ExAC 0.00001; gnomAD exomes 0.00001; gnomAD 0.00003 and 0.00004; TOPMed 0.00006.

Submissions (4):

GeneDx
Classification: Uncertain significance. Last evaluated: 2025-06-11. Review status: criteria provided, single submitter. Criteria: GeneDx Variant Classification Process June 2021. Collection method: clinical testing. Allele origin: germline. Affected: yes.
Comment: Identified in a patient with sporadic Stanford type A aortic dissection in published literature (PMID: 34422331); In silico analysis supports that this missense variant has a deleterious effect on protein structure/function; This variant is associated with the following publications: (PMID: 34422331)

Labcorp Genetics (formerly Invitae), Labcorp
Classification: Uncertain significance for Aortic aneurysm, familial thoracic 7. Last evaluated: 2024-11-19. Review status: criteria provided, single submitter. Criteria: Invitae Variant Classification Sherloc (09022015). Collection method: clinical testing. Allele origin: germline.
Comment: This sequence change replaces arginine, which is basic and polar, with cysteine, which is neutral and slightly polar, at codon 954 of the MYLK protein (p.Arg954Cys). This variant is present in population databases (rs749847711, gnomAD 0.006%). This missense change has been observed in individual(s) with Stanford type A aortic dissection (PMID: 34422331). This variant is also known as p.R885C. ClinVar contains an entry for this variant (Variation ID: 519968). Invitae Evidence Modeling of protein sequence and biophysical properties (such as structural, functional, and spatial information, amino acid conservation, physicochemical variation, residue mobility, and thermodynamic stability) indicates that this missense variant is not expected to disrupt MYLK protein function with a negative predictive value of 80%. In summary, the available evidence is currently insufficient to determine the role of this variant in disease. Therefore, it has been classified as a Variant of Uncertain Significance.

Ambry Genetics
Classification: Uncertain significance for Familial thoracic aortic aneurysm and aortic dissection. Last evaluated: 2024-09-25. Review status: criteria provided, single submitter. Criteria: Ambry Variant Classification Scheme 2023. Collection method: clinical testing. Allele origin: germline.
Comment: The p.R954C variant (also known as c.2860C>T), located in coding exon 15 of the MYLK gene, results from a C to T substitution at nucleotide position 2860. The arginine at codon 954 is replaced by cysteine, an amino acid with highly dissimilar properties. This variant (referred to as p.R885C) has been reported in an individual in a thoracic aortic aneurysm and dissection cohort, but clinical details were limited (Chen ZR et al. J Thorac Dis, 2021 Jul;13:4008-4022). This amino acid position is highly conserved in available vertebrate species. In addition, the in silico prediction for this alteration is inconclusive. Based on the available evidence, the clinical significance of this variant remains unclear.

Fulgent Genetics
Classification: Uncertain significance for Megacystis-microcolon-intestinal hypoperistalsis syndrome 1; Aortic aneurysm, familial thoracic 7. Last evaluated: 2021-08-19. Review status: criteria provided, single submitter. Criteria: ACMG Guidelines, 2015. Collection method: clinical testing. Allele origin: unknown.

Literature cited by the submitters: PubMed 34422331 (cited by Labcorp Genetics (formerly Invitae), Labcorp and Ambry Genetics).